The following is an entry in ClinVar:

ClinVar aggregate classification (germline): Uncertain significance (1 of 4 stars; one submission).

Allele frequency attached by ClinVar (database versions not stated): gnomAD exomes below 0.00001.
gnomAD v4.1: 1 of 1,610,958 alleles (0.000062%); highest among the groups gnomAD compares: Non-Finnish European, 0.000085%; no homozygotes.

Submission:

Labcorp Genetics (formerly Invitae), Labcorp
Classification: Uncertain significance. Last evaluated: 2025-11-10. Review status: criteria provided, single submitter. Criteria: Invitae Variant Classification Sherloc (09022015). Collection method: clinical testing. Allele origin: germline.
Comment: This sequence change replaces leucine, which is neutral and non-polar, with phenylalanine, which is neutral and non-polar, at codon 270 of the TMEM106B protein (p.Leu270Phe). This variant is not present in population databases (gnomAD no frequency). This variant has not been reported in the literature in individuals affected with TMEM106B-related conditions. ClinVar contains an entry for this variant (Variation ID: 1715845). An algorithm developed to predict the effect of missense changes on protein structure and function (PolyPhen-2) suggests that this variant is likely to be tolerated. In summary, the available evidence is currently insufficient to determine the role of this variant in disease. Therefore, it has been classified as a Variant of Uncertain Significance.

NM_001134232.2(TMEM106B):c.808C>T (p.Leu270Phe)

Gene: TMEM106B (transmembrane protein 106B; plus strand). Cytogenetic location: 7p21.3.
Variant type: single nucleotide variant.
Coding change: c.808C>T on transcript NM_001134232.2 (MANE Select); coding-DNA position 808, C replaced by T.
Protein change: p.Leu270Phe; replaces leucine 270 with phenylalanine.
Molecular consequence: missense variant.
Genome position (GRCh38, 1-based): chr7:12,231,958, C>T. VCF-style: chr7-12231958-C-T. GRCh37 (hg19) VCF-style: chr7-12271584-C-T.
Other names: c.808C>T, p.Leu270Phe (NM_018374.4); short protein forms L270F.
Identifiers: ClinVar variation 1715845 (VCV001715845.5), dbSNP rs2534927672, ClinGen allele CA366859217.
Genomic context (GRCh38, chr7:12,231,958, plus strand): 5'-TATGTCGACTGTGGAAGAAACACAACTTATCAGTTGGGGCAGTCTGAATATTTAAATGTA[C>T]TTCAGCCACAACAGTAAAAACTGGAAGAGATGGATTTAAAGAAGAAATATCTATTGATAT-3'
Protein context (NP_001127704.1, residues 260-274): QLGQSEYLNV[Leu270Phe]QPQQ